The following is an entry in ClinVar:

ClinVar aggregate classification (germline): Uncertain significance (1 of 4 stars; one submission).

Conditions:
Hereditary spastic paraplegia. Also called: Familial spastic paraparesis. Identifiers: Orphanet 685, MedGen C0037773, MONDO:0019064. Disease mechanism: loss of function.

Allele frequency attached by ClinVar (database versions not stated): gnomAD exomes below 0.00001 and 0.00002; TOPMed below 0.00001; ExAC 0.00001; gnomAD 0.00001.
gnomAD v4.1: 5 of 1,613,954 alleles (0.00031%); highest among the groups gnomAD compares: East Asian, 0.011%; no homozygotes.

Submission:

Labcorp Genetics (formerly Invitae), Labcorp
Classification: Uncertain significance for Hereditary spastic paraplegia. Last evaluated: 2024-08-05. Review status: criteria provided, single submitter. Criteria: Invitae Variant Classification Sherloc (09022015). Collection method: clinical testing. Allele origin: germline.
Comment: This sequence change replaces serine, which is neutral and polar, with asparagine, which is neutral and polar, at codon 437 of the USP8 protein (p.Ser437Asn). This variant is present in population databases (rs775130274, gnomAD 0.03%). This variant has not been reported in the literature in individuals affected with USP8-related conditions. ClinVar contains an entry for this variant (Variation ID: 1449402). An algorithm developed to predict the effect of missense changes on protein structure and function outputs the following: PolyPhen-2: "Benign". The asparagine amino acid residue is found in multiple mammalian species, which suggests that this missense change does not adversely affect protein function. In summary, the available evidence is currently insufficient to determine the role of this variant in disease. Therefore, it has been classified as a Variant of Uncertain Significance.

NM_005154.5(USP8):c.1310G>A (p.Ser437Asn)

Gene: USP8 (ubiquitin specific peptidase 8; plus strand). Cytogenetic location: 15q21.2.
Variant type: single nucleotide variant.
Coding change: c.1310G>A on transcript NM_005154.5 (MANE Select); coding-DNA position 1310, G replaced by A.
Protein change: p.Ser437Asn; replaces serine 437 with asparagine.
Molecular consequence: missense variant.
Genome position (GRCh38, 1-based): chr15:50,481,572, G>A. VCF-style: chr15-50481572-G-A. GRCh37 (hg19) VCF-style: chr15-50773769-G-A.
Other names: c.1310G>A, p.Ser437Asn (NM_001128610.3); c.1079G>A, p.Ser360Asn (NM_001283049.2); short protein forms S437N, S360N.
Identifiers: ClinVar variation 1449402 (VCV001449402.8), dbSNP rs775130274, ClinGen allele CA7555701.